The following is an entry in ClinVar:

ClinVar aggregate classification (germline): Uncertain significance (1 of 4 stars; one submission).

Conditions:
Marinesco-Sjögren syndrome (MSS). Also called: Marinesco-SjÃ¶gren syndrome; Marinesco-Sjogren Syndrome. Identifiers: Orphanet 559, MedGen C0024814, MONDO:0009567, OMIM 248800.

Allele frequency attached by ClinVar (database versions not stated): gnomAD exomes 0.00001.

Submission:

Labcorp Genetics (formerly Invitae), Labcorp
Classification: Uncertain significance for Marinesco-Sjögren syndrome. Last evaluated: 2022-05-06. Review status: criteria provided, single submitter. Criteria: Invitae Variant Classification Sherloc (09022015). Collection method: clinical testing. Allele origin: germline.
Comment: In summary, the available evidence is currently insufficient to determine the role of this variant in disease. Therefore, it has been classified as a Variant of Uncertain Significance. Algorithms developed to predict the effect of missense changes on protein structure and function output the following: SIFT: "Tolerated"; PolyPhen-2: "Benign"; Align-GVGD: "Class C0". The tyrosine amino acid residue is found in multiple mammalian species, which suggests that this missense change does not adversely affect protein function. This variant has not been reported in the literature in individuals affected with SIL1-related conditions. The frequency data for this variant in the population databases is considered unreliable, as metrics indicate poor data quality at this position in the gnomAD database. This sequence change replaces histidine, which is basic and polar, with tyrosine, which is neutral and polar, at codon 71 of the SIL1 protein (p.His71Tyr).

NM_022464.5(SIL1):c.211C>T (p.His71Tyr)

Gene: SIL1 (SIL1 nucleotide exchange factor; minus strand). Cytogenetic location: 5q31.2.
Variant type: single nucleotide variant.
Coding change: c.211C>T on transcript NM_022464.5 (MANE Select); coding-DNA position 211, C replaced by T.
Protein change: p.His71Tyr; replaces histidine 71 with tyrosine.
Molecular consequence: missense variant.
Genome position (GRCh38, 1-based): chr5:139,121,068, G>A on the plus strand (C>T on the coding strand, the complement: SIL1 is on the minus strand). VCF-style: chr5-139121068-G-A. GRCh37 (hg19) VCF-style: chr5-138456757-G-A.
Other names: c.211C>T, p.His71Tyr (NM_001037633.2); short protein forms H71Y.
Identifiers: ClinVar variation 2061311 (VCV002061311.4), dbSNP rs1418193240, ClinGen allele CA361476464.